The following is an entry in ClinVar:

NM_000532.5(PCCB):c.449del (p.Thr150fs)

Gene: PCCB (propionyl-CoA carboxylase subunit beta; plus strand). Cytogenetic location: 3q22.3.
Variant type: Deletion.
Coding change: c.449del on transcript NM_000532.5 (MANE Select); coding-DNA position 449, one base deleted (C; older notation c.449delC).
Protein change: p.Thr150fs; shifts the reading frame from threonine 150.
Molecular consequence: frameshift variant.
Genome position (GRCh38, 1-based): chr3:136,261,971, C deleted. VCF-style (leftmost placement, unchanged base first): chr3-136261970-AC-A. GRCh37 (hg19) VCF-style: chr3-135980812-AC-A.
Other names: c.509del, p.Thr170fs (NM_001178014.2); short protein forms T150fs, T170fs.
Identifiers: ClinVar variation 2014957 (VCV002014957.4), dbSNP rs2529763703, ClinGen allele CA2580068820.

ClinVar aggregate classification (germline): Pathogenic (1 of 4 stars; one submission).

Conditions:
Propionic acidemia (PROP). Also called: GLYCINEMIA, KETOTIC; HYPERGLYCINEMIA WITH KETOACIDOSIS AND LEUKOPENIA; KETOTIC HYPERGLYCINEMIA. Identifiers: Orphanet 35, MedGen C0268579, MONDO:0011628, OMIM 606054, HP:0003571.

Submission:

Labcorp Genetics (formerly Invitae), Labcorp
Classification: Pathogenic for Propionic acidemia. Last evaluated: 2022-07-08. Review status: criteria provided, single submitter. Criteria: Invitae Variant Classification Sherloc (09022015). Collection method: clinical testing. Allele origin: germline.
Comment: For these reasons, this variant has been classified as Pathogenic. This variant has not been reported in the literature in individuals affected with PCCB-related conditions. This variant is not present in population databases (gnomAD no frequency). This sequence change creates a premature translational stop signal (p.Thr150Argfs*6) in the PCCB gene. It is expected to result in an absent or disrupted protein product. Loss-of-function variants in PCCB are known to be pathogenic (PMID: 15464417).

Literature cited by the submitters: PubMed 15464417.